The following is an entry in ClinVar:

ClinVar aggregate classification (germline): Uncertain significance (1 of 4 stars; one submission).

gnomAD v4.1: 1 of 1,612,656 alleles (0.000062%); highest among the groups gnomAD compares: African/African-American, 0.0013%; no homozygotes.

Submission:

GeneDx
Classification: Uncertain significance. Last evaluated: 2025-05-30. Review status: criteria provided, single submitter. Criteria: GeneDx Variant Classification Process June 2021. Collection method: clinical testing. Allele origin: germline. Affected: yes.
Comment: Not observed at significant frequency in large population cohorts (gnomAD); In silico analysis supports that this missense variant has a deleterious effect on protein structure/function; Has not been previously published as pathogenic or benign to our knowledge

NM_001378328.1(CELSR1):c.1670A>G (p.Asp557Gly)

Gene: CELSR1 (cadherin EGF LAG seven-pass G-type receptor 1; minus strand). Cytogenetic location: 22q13.31.
Variant type: single nucleotide variant.
Coding change: c.1670A>G on transcript NM_001378328.1 (MANE Select); coding-DNA position 1670, A replaced by G.
Protein change: p.Asp557Gly; replaces aspartic acid 557 with glycine.
Molecular consequence: missense variant.
Genome position (GRCh38, 1-based): chr22:46,535,501, T>C on the plus strand (A>G on the coding strand, the complement: CELSR1 is on the minus strand). VCF-style: chr22-46535501-T-C. GRCh37 (hg19) VCF-style: chr22-46931398-T-C.
Other names: c.1670A>G, p.Asp557Gly (NM_014246.4); short protein forms D557G.
Identifiers: ClinVar variation 3372795 (VCV003372795.2).